The following is an entry in ClinVar:

ClinVar aggregate classification (germline): Pathogenic. Review status: criteria provided, single submitter (1 of 4 stars). 2 submissions from 1 submitter: Pathogenic (2). Last evaluated 2016-04-18.

Conditions:
Sotos syndrome (SOTOS). Also called: CEREBRAL GIGANTISM; Sotos' syndrome; Distinctive facial appearance, overgrowth in childhood, and learning disabilities or delayed development; CHROMOSOME 5q35 DELETION SYNDROME; SOTOS SYNDROME 1. Identifiers: Orphanet 821, MedGen C0175695, MONDO:0019349, OMIM 117550.
Beckwith-Wiedemann syndrome (BWS). Also called: Exomphalos macroglossia gigantism syndrome; EMG SYNDROME. Identifiers: Orphanet 116, MedGen C0004903, MONDO:0007534, OMIM 130650.

Submissions (2):

Labcorp Genetics (formerly Invitae), Labcorp
Classification: Pathogenic for Beckwith-Wiedemann syndrome. Last evaluated: 2016-04-18. Review status: criteria provided, single submitter. Criteria: Invitae Variant Classification Sherloc (09022015). Collection method: clinical testing. Allele origin: germline.
Comment: This sequence change deletes 1 nucleotide from exon 5 of the NSD1 mRNA (c.1654delT), causing a frameshift at codon 552. This creates a premature translational stop signal (p.Ser552Profs*3) and is expected to result in an absent or disrupted protein product. While this particular variant has not been reported in the literature, truncating variants in NSD1 are known to be pathogenic (PMID: 12807965, 15942875, 17565729). For these reasons, this variant has been classified as Pathogenic.

Labcorp Genetics (formerly Invitae), Labcorp
Classification: Pathogenic. Last evaluated: 2016-04-18. Review status: criteria provided, single submitter. Criteria: Invitae Variant Classification Sherloc (09022015). Collection method: clinical testing. Allele origin: germline.
Comment: This sequence change deletes 1 nucleotide from exon 5 of the NSD1 mRNA (c.1654delT), causing a frameshift at codon 552. This creates a premature translational stop signal (p.Ser552Profs*3) and is expected to result in an absent or disrupted protein product. While this particular variant has not been reported in the literature, truncating variants in NSD1 are known to be pathogenic (PMID: 12807965,¬†15942875,¬†17565729). For these reasons, this variant has been classified as Pathogenic.

Literature cited by the submitters: PubMed 12807965.

NM_022455.5(NSD1):c.1654del (p.Ser552fs)

Gene: NSD1 (nuclear receptor binding SET domain protein 1; plus strand). Cytogenetic location: 5q35.3.
Variant type: Deletion.
Coding change: c.1654del on transcript NM_022455.5 (MANE Select); coding-DNA position 1654, one base deleted (T; older notation c.1654delT).
Protein change: p.Ser552fs; shifts the reading frame from serine 552.
Molecular consequence: frameshift variant.
Genome position (GRCh38, 1-based): chr5:177,210,053, T deleted; the last of 3 consecutive T bases (chr5:177,210,051-177,210,053); deleting any one gives the same sequence. VCF-style (leftmost placement, unchanged base first): chr5-177210050-CT-C. GRCh37 (hg19) VCF-style: chr5-176637051-CT-C.
Other names: c.781delT, p.Ser261Profs (NM_001365684.2, NM_001409306.1, NM_001409307.1 and 3 more transcripts); c.1654delT, p.Ser552Profs (NM_001409301.1, NM_001409302.1, NM_001409303.1); c.1234delT, p.Ser412Profs (NM_001409304.1); c.901delT, p.Ser301Profs (NM_001409305.1); short protein forms S283fs, S552fs.
Identifiers: ClinVar variation 407367 (VCV000407367.6), dbSNP rs1060501497, ClinGen allele CA16611844.